The following is an entry in ClinVar:

ClinVar aggregate classification (germline): Benign. Review status: criteria provided, multiple submitters, no conflicts (2 of 4 stars). 2 submissions from 2 submitters: Benign (2). Last evaluated 2018-01-13.

Conditions:
Posterior column ataxia-retinitis pigmentosa syndrome (RETSNS). Also called: RETINOPATHY-SENSORY NEUROPATHY SYNDROME. Identifiers: Orphanet 88628, MedGen C1836916, MONDO:0012177, OMIM 609033.

Allele frequency attached by ClinVar (database versions not stated): 1000 Genomes Project 0.19069; TOPMed 0.20941; gnomAD 0.21097 and 0.20186; 1000 Genomes Project 30x 0.19706.

Submissions (2):

Illumina Laboratory Services, Illumina
Classification: Benign for Posterior column ataxia-retinitis pigmentosa syndrome. Last evaluated: 2018-01-13. Review status: criteria provided, single submitter. Criteria: ICSL Variant Classification Criteria 13 December 2019. Collection method: clinical testing. Allele origin: germline.
Comment: This variant was observed in the ICSL laboratory as part of a predisposition screen in an ostensibly healthy population. It had not been previously curated by ICSL or reported in the Human Gene Mutation Database (HGMD: prior to June 1st, 2018), and was therefore a candidate for classification through an automated scoring system. Utilizing variant allele frequency, disease prevalence and penetrance estimates, and inheritance mode, an automated score was calculated to assess if this variant is too frequent to cause the disease. Based on the score and internal cut-off values, a variant classified as benign is not then subjected to further curation. The score for this variant resulted in a classification of benign for this disease.

Breakthrough Genomics
Classification: Benign. Review status: criteria provided, single submitter. Criteria: ACMG Guidelines, 2015. Collection method: not provided. Allele origin: germline. Inheritance: Autosomal recessive inheritance. Affected: yes.

NM_014053.4(FLVCR1):c.*2908G>A

Gene: FLVCR1 (FLVCR choline and heme transporter 1; plus strand). Cytogenetic location: 1q32.3.
Variant type: single nucleotide variant.
Coding change: c.*2908G>A on transcript NM_014053.4 (MANE Select); 2908 bases downstream of the stop codon, G replaced by A.
Molecular consequence: 3 prime UTR variant.
Genome position (GRCh38, 1-based): chr1:212,898,198, G>A. VCF-style: chr1-212898198-G-A. GRCh37 (hg19) VCF-style: chr1-213071540-G-A.
Identifiers: ClinVar variation 295389 (VCV000295389.6), dbSNP rs1284853, ClinGen allele CA10609798.
Genomic context (GRCh38, chr1:212,898,198, plus strand): 5'-GATCTCAAAGATCTTTCCAAAATATTAAATGCCATTAATCATGGAATAGACCAAATTATT[G>A]TATCACAGGAACTTGAATCCAGCCAGAGAAAAATTCCCTGGACAATTGGATAAACAAATG-3'